The following is an entry in ClinVar:

NM_000180.4(GUCY2D):c.1808G>C (p.Gly603Ala)

Gene: GUCY2D (guanylate cyclase 2D, retinal; plus strand). Cytogenetic location: 17p13.1.
Variant type: single nucleotide variant.
Coding change: c.1808G>C on transcript NM_000180.4 (MANE Select); coding-DNA position 1808, G replaced by C.
Protein change: p.Gly603Ala; replaces glycine 603 with alanine.
Molecular consequence: missense variant.
Genome position (GRCh38, 1-based): chr17:8,012,202, G>C. VCF-style: chr17-8012202-G-C. GRCh37 (hg19) VCF-style: chr17-7915520-G-C.
Other names: short protein forms G603A.
Identifiers: ClinVar variation 4789950 (VCV004789950.1).

ClinVar aggregate classification (germline): Uncertain significance (1 of 4 stars; one submission).

Conditions:
Leber congenital amaurosis 1 (LCA1). Also called: AMAUROSIS CONGENITA OF LEBER I; RETINAL BLINDNESS, CONGENITAL; Congenital absence of the rods and cones; Leber's congenital tapetoretinal degeneration; Leber's congenital tapetoretinal dysplasia. Identifiers: Orphanet 65, MedGen C2931258, MONDO:0008764, OMIM 204000.
Cone-rod dystrophy 6 (CORD6). Also called: RETINAL CONE DYSTROPHY 2; Cone dystrophy progressive. Identifiers: Orphanet 1872, MedGen C1866293, MONDO:0011143, OMIM 601777.

gnomAD v4.1: 2 of 1,614,138 alleles (0.00012%); highest among the groups gnomAD compares: Non-Finnish European, 0.00017%; no homozygotes.

Submission:

Labcorp Genetics (formerly Invitae), Labcorp
Classification: Uncertain significance for Leber congenital amaurosis 1; Cone-rod dystrophy 6. Last evaluated: 2025-11-26. Review status: criteria provided, single submitter. Criteria: Invitae Variant Classification Sherloc (09022015). Collection method: clinical testing. Allele origin: germline.
Comment: This sequence change replaces glycine, which is neutral and non-polar, with alanine, which is neutral and non-polar, at codon 603 of the GUCY2D protein (p.Gly603Ala). This variant is present in population databases (no rsID available, gnomAD 0.002%). This variant has not been reported in the literature in individuals affected with GUCY2D-related conditions. Invitae Evidence Modeling of protein sequence and biophysical properties (such as structural, functional, and spatial information, amino acid conservation, physicochemical variation, residue mobility, and thermodynamic stability) indicates that this missense variant is not expected to disrupt GUCY2D protein function with a negative predictive value of 80%. In summary, the available evidence is currently insufficient to determine the role of this variant in disease. Therefore, it has been classified as a Variant of Uncertain Significance.